The following is an entry in ClinVar:

ClinVar aggregate classification (germline): Uncertain significance (1 of 4 stars; one submission).

Conditions:
Primary ciliary dyskinesia. Also called: Ciliary dyskinesia. Identifiers: Orphanet 244, MedGen C0008780, MONDO:0016575, HP:0012265.

Allele frequency attached by ClinVar (database versions not stated): gnomAD 0.00001; ExAC 0.00002; TOPMed 0.00002.
gnomAD v4.1: 2 of 1,613,984 alleles (0.00012%); highest among the groups gnomAD compares: African/African-American, 0.0027%; no homozygotes.

Submission:

Labcorp Genetics (formerly Invitae), Labcorp
Classification: Uncertain significance for Primary ciliary dyskinesia. Last evaluated: 2022-10-17. Review status: criteria provided, single submitter. Criteria: Invitae Variant Classification Sherloc (09022015). Collection method: clinical testing. Allele origin: germline.
Comment: In summary, the available evidence is currently insufficient to determine the role of this variant in disease. Therefore, it has been classified as a Variant of Uncertain Significance. Algorithms developed to predict the effect of missense changes on protein structure and function (SIFT, PolyPhen-2, Align-GVGD) all suggest that this variant is likely to be tolerated. This variant has not been reported in the literature in individuals affected with RSPH4A-related conditions. This variant is present in population databases (rs750605299, gnomAD 0.007%). This sequence change replaces glutamic acid, which is acidic and polar, with glycine, which is neutral and non-polar, at codon 89 of the RSPH4A protein (p.Glu89Gly).

NM_001010892.3(RSPH4A):c.266A>G (p.Glu89Gly)

Gene: RSPH4A (radial spoke head component 4A; plus strand). Cytogenetic location: 6q22.1.
Variant type: single nucleotide variant.
Coding change: c.266A>G on transcript NM_001010892.3 (MANE Select); coding-DNA position 266, A replaced by G.
Protein change: p.Glu89Gly; replaces glutamic acid 89 with glycine.
Molecular consequence: missense variant.
Genome position (GRCh38, 1-based): chr6:116,616,889, A>G. VCF-style: chr6-116616889-A-G. GRCh37 (hg19) VCF-style: chr6-116938052-A-G.
Other names: c.266A>G, p.Glu89Gly (NM_001161664.2); short protein forms E89G.
Identifiers: ClinVar variation 2009429 (VCV002009429.4), dbSNP rs750605299, ClinGen allele CA3970733.